The following is an entry in ClinVar:

ClinVar aggregate classification (germline): Likely pathogenic (1 of 4 stars; one submission).

Conditions:
Osteogenesis imperfecta type I (OI1). Also called: Lobstein disease; OI, TYPE I; OSTEOGENESIS IMPERFECTA TARDA; OSTEOGENESIS IMPERFECTA WITH BLUE SCLERAE; Osteogenesis imperfecta type 1; Lobstein's Disease. Identifiers: Orphanet 216796, Orphanet 666, MedGen C0023931, MONDO:0008146, OMIM 166200. Disease mechanism: loss of function.
Ehlers-Danlos syndrome, classic type, 1 (EDSCL1). Also called: EDS I; EHLERS-DANLOS SYNDROME, GRAVIS TYPE; EHLERS-DANLOS SYNDROME, SEVERE CLASSIC TYPE; Ehlers-Danlos syndrome, type 1; Ehlers-Danlos Syndrome, Classic Type, COL5A1-Related. Identifiers: MedGen C0268335, MONDO:0019567, OMIM 130000.

Submission:

Labcorp Genetics (formerly Invitae), Labcorp
Classification: Likely pathogenic for Osteogenesis imperfecta type I; Ehlers-Danlos syndrome, classic type, 1. Last evaluated: 2023-04-18. Review status: criteria provided, single submitter. Criteria: Invitae Variant Classification Sherloc (09022015). Collection method: clinical testing. Allele origin: germline.
Comment: In summary, the currently available evidence indicates that the variant is pathogenic, but additional data are needed to prove that conclusively. Therefore, this variant has been classified as Likely Pathogenic. This variant has been observed in individual(s) with osteogenesis imperfecta (Invitae). In at least one individual the variant was observed to be de novo. This variant is not present in population databases (gnomAD no frequency). This variant, c.2333_2335dup, results in the insertion of 1 amino acid(s) of the COL1A2 protein (p.Gly778dup), but otherwise preserves the integrity of the reading frame.

NM_000089.4(COL1A2):c.2330GTG[3] (p.Gly778_Asp779insGly)

Gene: COL1A2 (collagen type I alpha 2 chain; plus strand). Cytogenetic location: 7q21.3.
Variant type: Microsatellite.
Coding change: c.2330GTG[3] on transcript NM_000089.4 (MANE Select); three copies in a row of the 3-base unit GTG starting at c.2330; the reference has two copies in a row; one copy, 3 bases duplicated.
Protein change: p.Gly778_Asp779insGly.
Molecular consequence: inframe insertion.
Genome position (GRCh38, 1-based): chr7:94,421,046-94,421,048, GTG duplicated; duplicating any 3 consecutive bases within chr7:94,421,043-94,421,048 gives the same sequence; the position shown is the placement nearest the transcript's 3' end. VCF-style (leftmost placement, unchanged base first): chr7-94421042-C-CGTG. GRCh37 (hg19) VCF-style: chr7-94050354-C-CGTG.
Identifiers: ClinVar variation 2944412 (VCV002944412.3), dbSNP rs2484726571, ClinGen allele CA2740097409.